The following is an entry in ClinVar:

NM_001368067.1(LDB3):c.433G>C (p.Gly145Arg)

Genes: LDB3 (LIM domain binding 3; plus strand), LOC110121486 (VISTA enhancer hs2143; plus strand). Cytogenetic location: 10q23.2.
Variant type: single nucleotide variant.
Coding change: c.433G>C on transcript NM_001368067.1 (MANE Plus Clinical); coding-DNA position 433, G replaced by C.
Protein change: p.Gly145Arg; replaces glycine 145 with arginine.
Molecular consequence: missense variant. On other transcripts: intron variant (5).
Genome position (GRCh38, 1-based): chr10:86,687,157, G>C. VCF-style: chr10-86687157-G-C. GRCh37 (hg19) VCF-style: chr10-88446914-G-C.
Other names: c.433G>C, p.Gly145Arg (NM_001080114.2, NM_001080116.1, NM_001368066.1 and 1 more transcripts); c.778G>C, p.Gly260Arg (NM_001171610.2, NM_001171611.2); c.690-4739G>C (NM_001368064.1, NM_001368063.1, NM_007078.3 and 2 more transcripts); short protein forms G145R, G260R.
Identifiers: ClinVar variation 1914766 (VCV001914766.5), dbSNP rs376489385, ClinGen allele CA377441632.
Genomic context (GRCh38, chr10:86,687,157, plus strand): 5'-AGTGCCCTGAAGGACTCGGCCCTGTCCACCCACAAGCCCATCGAGGTGAAGGGGCTGGGC[G>C]GCAAGGCCACCATCATCCATGCGCAGTACAACACGCCCATCAGCATGTATTCCCAGGATG-3'
Protein context (NP_001354996.1, residues 135-155): HKPIEVKGLG[Gly145Arg]KATIIHAQYN

ClinVar aggregate classification (germline): Uncertain significance (1 of 4 stars; one submission).

Conditions:
Myofibrillar myopathy 4. Also called: Zaspopathy (type). Identifiers: Orphanet 98912, MedGen C4721886, MONDO:0012277, OMIM 609452.

Submission:

Labcorp Genetics (formerly Invitae), Labcorp
Classification: Uncertain significance for Myofibrillar myopathy 4. Last evaluated: 2022-02-20. Review status: criteria provided, single submitter. Criteria: Invitae Variant Classification Sherloc (09022015). Collection method: clinical testing. Allele origin: germline.
Comment: This sequence change replaces glycine, which is neutral and non-polar, with arginine, which is basic and polar, at codon 145 of the LDB3 protein (p.Gly145Arg). This variant is not present in population databases (gnomAD no frequency). This variant has not been reported in the literature in individuals affected with LDB3-related conditions. Algorithms developed to predict the effect of missense changes on protein structure and function are either unavailable or do not agree on the potential impact of this missense change (SIFT: "Deleterious"; PolyPhen-2: "Benign"; Align-GVGD: "Class C0"). In summary, the available evidence is currently insufficient to determine the role of this variant in disease. Therefore, it has been classified as a Variant of Uncertain Significance.